The following is an entry in ClinVar:

ClinVar aggregate classification (germline): Uncertain significance. Review status: criteria provided, multiple submitters, no conflicts (2 of 4 stars). 2 submissions from 2 submitters: Uncertain significance (2). Last evaluated 2024-01-02.

Conditions:
Inborn genetic diseases. Identifiers: MedGen C0950123, MeSH D030342.

Allele frequency attached by ClinVar (database versions not stated): gnomAD exomes below 0.00001; TOPMed below 0.00001.
gnomAD v4.1: 4 of 1,598,902 alleles (0.00025%); highest among the groups gnomAD compares: Middle Eastern, 0.017%; no homozygotes.

Submissions (2):

Ambry Genetics
Classification: Uncertain significance for Inborn genetic diseases. Last evaluated: 2024-01-02. Review status: criteria provided, single submitter. Criteria: Ambry Variant Classification Scheme 2023. Collection method: clinical testing. Allele origin: germline.

GeneDx
Classification: Uncertain significance. Last evaluated: 2017-08-17. Review status: criteria provided, single submitter. Criteria: GeneDx Variant Classification (06012015). Collection method: clinical testing. Allele origin: germline. Affected: yes.
Comment: The S48N variant has not been published as a pathogenic variant, nor has it been reported as a benign variant to our knowledge. The S48N variant is not observed in large population cohorts (Lek et al., 2016; 1000 Genomes Consortium et al., 2015; Exome Variant Server). The S48N variant is a conservative amino acid substitution, which is not likely to impact secondary protein structure as these residues share similar properties. This substitution occurs at a position that is not conserved. In silico analysis is inconsistent in its predictions as to whether or not the variant is damaging to the protein structure/function. In summary, based on the currently available information, it is unclear whether this variant is a pathogenic variant or a rare benign variant.

NM_001497.4(B4GALT1):c.143G>A (p.Ser48Asn)

Genes: B4GALT1 (beta-1,4-galactosyltransferase 1; minus strand), B4GALT1-AS1 (B4GALT1 antisense RNA 1; plus strand). Cytogenetic location: 9p21.1.
Variant type: single nucleotide variant.
Coding change: c.143G>A on transcript NM_001497.4 (MANE Select); coding-DNA position 143, G replaced by A.
Protein change: p.Ser48Asn; replaces serine 48 with asparagine.
Molecular consequence: missense variant. On other transcripts: non-coding transcript variant (2).
Genome position (GRCh38, 1-based): chr9:33,167,027, C>T on the plus strand (G>A on the coding strand, the complement: B4GALT1 is on the minus strand). VCF-style: chr9-33167027-C-T. GRCh37 (hg19) VCF-style: chr9-33167025-C-T.
Other names: c.104G>A, p.Ser35Asn (NM_001378495.1); c.143G>A, p.Ser48Asn (NM_001378496.1, NM_001378497.1); short protein forms S48N, S35N.
Identifiers: ClinVar variation 451077 (VCV000451077.3), dbSNP rs1364636517, ClinGen allele CA373187801.